The following is an entry in ClinVar:

NM_003742.4(ABCB11):c.2565A>G (p.Gly855=)

Gene: ABCB11 (ATP binding cassette subfamily B member 11; minus strand). Cytogenetic location: 2q31.1.
Variant type: single nucleotide variant.
Coding change: c.2565A>G on transcript NM_003742.4 (MANE Select); coding-DNA position 2565, A replaced by G.
Protein change: p.Gly855=; no amino-acid change (glycine 855 retained).
Molecular consequence: synonymous variant.
Genome position (GRCh38, 1-based): chr2:168,944,650, T>C on the plus strand (A>G on the coding strand, the complement: ABCB11 is on the minus strand). VCF-style: chr2-168944650-T-C. GRCh37 (hg19) VCF-style: chr2-169801160-T-C.
Other names: c.2565A>G, p.Gly855= (LRG_1199t1).
Identifiers: ClinVar variation 513952 (VCV000513952.18), dbSNP rs1014304470, ClinGen allele CA59880726.

ClinVar aggregate classification (germline): Conflicting classifications of pathogenicity. Review status: criteria provided, conflicting classifications (1 of 4 stars). 4 submissions from 4 submitters: Uncertain significance (2); Likely benign (2). Last evaluated 2022-10-21.

Conditions:
Progressive familial intrahepatic cholestasis type 2. Identifiers: Orphanet 79304, MedGen C3489789, MONDO:0011156, OMIM 601847.

Allele frequency attached by ClinVar (database versions not stated): gnomAD exomes below 0.00001; gnomAD 0.00001 and 0.00008; TOPMed 0.00006.
gnomAD v4.1: 11 of 1,612,414 alleles (0.00068%); highest among the groups gnomAD compares: Non-Finnish European, 0.00017%; no homozygotes.

Submissions (4):

Labcorp Genetics (formerly Invitae), Labcorp
Classification: Likely benign. Last evaluated: 2022-10-21. Review status: criteria provided, single submitter. Criteria: Invitae Variant Classification Sherloc (09022015). Collection method: clinical testing. Allele origin: germline.

Illumina Laboratory Services, Illumina
Classification: Uncertain significance for Progressive familial intrahepatic cholestasis type 2. Last evaluated: 2018-01-13. Review status: criteria provided, single submitter. Criteria: ICSL Variant Classification Criteria 13 December 2019. Collection method: clinical testing. Allele origin: germline.

GeneDx
Classification: Likely benign. Last evaluated: 2017-12-28. Review status: criteria provided, single submitter. Criteria: GeneDx Variant Classification (06012015). Collection method: clinical testing. Allele origin: germline. Affected: yes.
Comment: This variant is considered likely benign or benign based on one or more of the following criteria: it is a conservative change, it occurs at a poorly conserved position in the protein, it is predicted to be benign by multiple in silico algorithms, and/or has population frequency not consistent with disease.

Eurofins Ntd Llc (ga)
Classification: Uncertain significance. Last evaluated: 2017-12-08. Review status: criteria provided, single submitter. Criteria: EGL Classification Definitions 2015. Collection method: clinical testing. Allele origin: germline. Observed: 1 variant allele, 1 heterozygote.